The following is an entry in ClinVar:

ClinVar aggregate classification (germline): Uncertain significance (1 of 4 stars; one submission).

Conditions:
Medium-chain acyl-coenzyme A dehydrogenase deficiency (ACADMD). Also called: ACADM DEFICIENCY; MCAD Deficiency; MCADH DEFICIENCY; CARNITINE DEFICIENCY SECONDARY TO MEDIUM-CHAIN ACYL-CoA DEHYDROGENASE DEFICIENCY; Medium chain acyl-CoA dehydrogenase deficiency; MCADD. Identifiers: Orphanet 42, MedGen C0220710, MONDO:0008721, OMIM 201450.

Allele frequency attached by ClinVar (database versions not stated): gnomAD exomes below 0.00001; TOPMed 0.00001.
gnomAD v4.1: 3 of 1,609,850 alleles (0.00019%); highest among the groups gnomAD compares: African/African-American, 0.004%; no homozygotes.

Submission:

Labcorp Genetics (formerly Invitae), Labcorp
Classification: Uncertain significance for Medium-chain acyl-coenzyme A dehydrogenase deficiency. Last evaluated: 2022-05-28. Review status: criteria provided, single submitter. Criteria: Invitae Variant Classification Sherloc (09022015). Collection method: clinical testing. Allele origin: germline.
Comment: This sequence change replaces tryptophan, which is neutral and slightly polar, with arginine, which is basic and polar, at codon 200 of the ACADM protein (p.Trp200Arg). This variant is not present in population databases (gnomAD no frequency). This variant has not been reported in the literature in individuals affected with ACADM-related conditions. Algorithms developed to predict the effect of missense changes on protein structure and function (SIFT, PolyPhen-2, Align-GVGD) all suggest that this variant is likely to be disruptive. In summary, the available evidence is currently insufficient to determine the role of this variant in disease. Therefore, it has been classified as a Variant of Uncertain Significance.

NM_000016.6(ACADM):c.598T>C (p.Trp200Arg)

Gene: ACADM (acyl-CoA dehydrogenase medium chain; plus strand). Cytogenetic location: 1p31.1.
Variant type: single nucleotide variant.
Coding change: c.598T>C on transcript NM_000016.6 (MANE Select); coding-DNA position 598, T replaced by C.
Protein change: p.Trp200Arg; replaces tryptophan 200 with arginine.
Molecular consequence: missense variant.
Genome position (GRCh38, 1-based): chr1:75,740,109, T>C. VCF-style: chr1-75740109-T-C. GRCh37 (hg19) VCF-style: chr1-76205794-T-C.
Other names: c.610T>C, p.Trp204Arg (NM_001127328.3); c.490T>C, p.Trp164Arg (NM_001286042.2); c.697T>C, p.Trp233Arg (NM_001286043.2); c.31T>C, p.Trp11Arg (NM_001286044.2); short protein forms W204R, W164R, W11R, W200R, W233R.
Identifiers: ClinVar variation 1988405 (VCV001988405.1), dbSNP rs904809976, ClinGen allele CA24627728.
Genomic context (GRCh38, chr1:75,740,109, plus strand): 5'-GGAGATGAGTATATTATTAATGGTCAGAAGATGTGGATAACCAACGGAGGAAAAGCTAAT[T>C]GGTATGTTGTTCAAAACATCTTTGTATATTTTTTCTTAATTGTTTTATCTTCAAATCTCT-3'
Protein context (NP_000007.1, residues 190-210): MWITNGGKAN[Trp200Arg]YFLLARSDPD